The following is an entry in ClinVar:

ClinVar aggregate classification (germline): Uncertain significance (1 of 4 stars; one submission).

Conditions:
Intellectual developmental disorder, autosomal dominant 43. Also called: Intellectual disability, autosomal dominant 43. Identifiers: MedGen C4707429, MONDO:0014858, OMIM 616977.

gnomAD v4.1: 6 of 1,613,624 alleles (0.00037%); highest among the groups gnomAD compares: Admixed American, 0.0067%; no homozygotes.

Submission:

Dasa
Classification: Uncertain significance for Intellectual developmental disorder, autosomal dominant 43. Last evaluated: 2025-12-20. Review status: criteria provided, single submitter. Criteria: DASA Assertion Criteria. Collection method: clinical testing. Allele origin: germline.
Comment: NM_006734.4(HIVEP2):c.3289G>A (p.Val1097Ile) is a missense variant that results in the substitution of valine with isoleucine. This variant is rare in population databases. Computational prediction algorithms are consistent with a benign effect. The currently available literature and clinical evidence are not sufficient to establish a definitive association between this variant and the reported condition. Therefore, this variant is classified as a variant of uncertain significance.

NM_006734.4(HIVEP2):c.3289G>A (p.Val1097Ile)

Gene: HIVEP2 (HIVEP zinc finger 2; minus strand). Cytogenetic location: 6q24.2.
Variant type: single nucleotide variant.
Coding change: c.3289G>A on transcript NM_006734.4 (MANE Select); coding-DNA position 3289, G replaced by A.
Protein change: p.Val1097Ile; replaces valine 1097 with isoleucine.
Molecular consequence: missense variant.
Genome position (GRCh38, 1-based): chr6:142,771,450, C>T on the plus strand (G>A on the coding strand, the complement: HIVEP2 is on the minus strand). VCF-style: chr6-142771450-C-T. GRCh37 (hg19) VCF-style: chr6-143092587-C-T.
Other names: c.3289G>A, p.Val1097Ile (NM_001438449.1, NM_001438450.1, NM_001438451.1); short protein forms V1097I.
Identifiers: ClinVar variation 4881245 (VCV004881245.2).
Genomic context (GRCh38, chr6:142,771,450, plus strand): 5'-ACCGGAGGCCAGCATGCAGGTGCTCCAGCTGCTCTTGCTTCACGCTCTGATCCATGCCAA[C>T]CTCGCCCTGGGAGATTTCTGGGGAGCCACTGAAGGAAGCTTGCCGCACCAGAAAGCATTT-3'
Protein context (NP_006725.3, residues 1087-1107): SGSPEISQGE[Val1097Ile]GMDQSVKQEQ